The following is an entry in ClinVar:

ClinVar aggregate classification (germline): Conflicting classifications of pathogenicity. Review status: criteria provided, conflicting classifications (1 of 4 stars). 4 submissions from 4 submitters: Uncertain significance (1); Likely benign (1). 2 of the submissions do not count toward it. Last evaluated 2026-01-25.

Conditions:
PKHD1-related disorder. Also called: PKHD1-related condition.
Autosomal recessive polycystic kidney disease (ARPKD). Also called: AR polycystic kidney disease. Identifiers: Orphanet 731, Orphanet 8378, MedGen C0085548, MeSH D017044, MONDO:0009889.

Allele frequency attached by ClinVar (database versions not stated): gnomAD 0.00001 and 0.00002; gnomAD exomes 0.00004 and 0.00006; ExAC 0.00007; TOPMed 0.00010; 1000 Genomes Project 30x 0.00016; 1000 Genomes Project 0.00020.
gnomAD v4.1: 54 of 1,569,264 alleles (0.0034%); highest among the groups gnomAD compares: East Asian, 0.076%; no homozygotes.

Submissions (4):

Labcorp Genetics (formerly Invitae), Labcorp
Classification: Likely benign for Autosomal recessive polycystic kidney disease. Last evaluated: 2026-01-25. Review status: criteria provided, single submitter. Criteria: Invitae Variant Classification Sherloc (09022015). Collection method: clinical testing. Allele origin: germline.

Illumina Laboratory Services, Illumina
Classification: Uncertain significance for Polycystic kidney disease 4. Last evaluated: 2018-01-13. Review status: criteria provided, single submitter. Criteria: ICSL Variant Classification Criteria 13 December 2019. Collection method: clinical testing. Allele origin: germline.

PreventionGenetics, part of Exact Sciences
Classification: Likely benign for PKHD1-related condition. Last evaluated: 2020-02-19. Review status: no assertion criteria provided. Collection method: clinical testing. Allele origin: germline. Not counted in ClinVar's aggregate classification.
Comment: This variant is classified as likely benign based on ACMG/AMP sequence variant interpretation guidelines (Richards et al. 2015 PMID: 25741868, with internal and published modifications).

Natera, Inc.
Classification: Uncertain significance for Autosomal recessive polycystic kidney disease. Last evaluated: 2018-03-22. Review status: no assertion criteria provided. Collection method: clinical testing. Allele origin: germline. Not counted in ClinVar's aggregate classification.

NM_138694.4(PKHD1):c.5601-8C>T

Gene: PKHD1 (PKHD1 ciliary IPT domain containing fibrocystin/polyductin; minus strand). Cytogenetic location: 6p12.2.
Variant type: single nucleotide variant.
Coding change: c.5601-8C>T on transcript NM_138694.4 (MANE Select); 8 bases into the intron before coding-DNA position 5601, C replaced by T.
Molecular consequence: intron variant.
Genome position (GRCh38, 1-based): chr6:52,010,467, G>A on the plus strand (C>T on the coding strand, the complement: PKHD1 is on the minus strand). VCF-style: chr6-52010467-G-A. GRCh37 (hg19) VCF-style: chr6-51875265-G-A.
Other names: c.5601-8C>T (NM_170724.3).
Identifiers: ClinVar variation 704199 (VCV000704199.21), dbSNP rs578030952, ClinGen allele CA3852466.